The following is an entry in ClinVar:

NM_014714.4(IFT140):c.3193G>A (p.Glu1065Lys)

Gene: IFT140 (intraflagellar transport 140; minus strand). Cytogenetic location: 16p13.3.
Variant type: single nucleotide variant.
Coding change: c.3193G>A on transcript NM_014714.4 (MANE Select); coding-DNA position 3193, G replaced by A.
Protein change: p.Glu1065Lys; replaces glutamic acid 1065 with lysine.
Molecular consequence: missense variant.
Genome position (GRCh38, 1-based): chr16:1,523,905, C>T on the plus strand (G>A on the coding strand, the complement: IFT140 is on the minus strand). VCF-style: chr16-1523905-C-T. GRCh37 (hg19) VCF-style: chr16-1573906-C-T.
Other names: short protein forms E1065K.
Identifiers: ClinVar variation 1512611 (VCV001512611.7), dbSNP rs373564205, ClinGen allele CA7813259.

ClinVar aggregate classification (germline): Uncertain significance. Review status: criteria provided, multiple submitters, no conflicts (2 of 4 stars). 2 submissions from 2 submitters: Uncertain significance (2). Last evaluated 2025-12-10.

Conditions:
Retinitis pigmentosa 80 (RP80). Identifiers: MedGen C4540439, MONDO:0054708, OMIM 617781.
Saldino-Mainzer syndrome (SRTD9). Also called: Renal dysplasia, retinal pigmentary dystrophy, cerebellar ataxia and skeletal dysplasia; CONORENAL SYNDROME; SHORT-RIB THORACIC DYSPLASIA 9 WITHOUT POLYDACTYLY; short-rib thoracic dysplasia 9 with or without polydactyly. Identifiers: Orphanet 140969, MedGen C1849437, MONDO:0009964, OMIM 266920.

Allele frequency attached by ClinVar (database versions not stated): TOPMed below 0.00001; gnomAD 0.00001; gnomAD exomes 0.00002 and 0.00004; ExAC 0.00005.
gnomAD v4.1: 29 of 1,613,364 alleles (0.0018%); highest among the groups gnomAD compares: South Asian, 0.012%; no homozygotes.

Submissions (2):

Labcorp Genetics (formerly Invitae), Labcorp
Classification: Uncertain significance for Saldino-Mainzer syndrome. Last evaluated: 2025-12-10. Review status: criteria provided, single submitter. Criteria: Invitae Variant Classification Sherloc (09022015). Collection method: clinical testing. Allele origin: germline.
Comment: This sequence change replaces glutamic acid, which is acidic and polar, with lysine, which is basic and polar, at codon 1065 of the IFT140 protein (p.Glu1065Lys). This variant is present in population databases (rs373564205, gnomAD 0.01%). This variant has not been reported in the literature in individuals affected with IFT140-related conditions. ClinVar contains an entry for this variant (Variation ID: 1512611). Invitae Evidence Modeling of protein sequence and biophysical properties (such as structural, functional, and spatial information, amino acid conservation, physicochemical variation, residue mobility, and thermodynamic stability) indicates that this missense variant is not expected to disrupt IFT140 protein function with a negative predictive value of 80%. In summary, the available evidence is currently insufficient to determine the role of this variant in disease. Therefore, it has been classified as a Variant of Uncertain Significance.

Fulgent Genetics
Classification: Uncertain significance for Saldino-Mainzer syndrome; Retinitis pigmentosa 80. Last evaluated: 2023-12-28. Review status: criteria provided, single submitter. Criteria: ACMG Guidelines, 2015. Collection method: clinical testing. Allele origin: germline.